The following is an entry in ClinVar:

NM_001267550.2(TTN):c.90180C>T (p.Ser30060=)

Genes: TTN (titin; minus strand), TTN-AS1 (TTN antisense RNA 1; plus strand). Cytogenetic location: 2q31.2.
Variant type: single nucleotide variant.
Coding change: c.90180C>T on transcript NM_001267550.2 (MANE Select); coding-DNA position 90180, C replaced by T.
Protein change: p.Ser30060=; no amino-acid change (serine 30060 retained).
Molecular consequence: synonymous variant.
Genome position (GRCh38, 1-based): chr2:178,552,720, G>A on the plus strand (C>T on the coding strand, the complement: TTN is on the minus strand). VCF-style: chr2-178552720-G-A. GRCh37 (hg19) VCF-style: chr2-179417447-G-A.
Other names: c.85257C>T, p.Ser28419= (NM_001256850.1); c.62985C>T, p.Ser20995= (NM_003319.4); c.82476C>T, p.Ser27492= (NM_133378.4); c.63360C>T, p.Ser21120= (NM_133432.3); c.63561C>T, p.Ser21187= (NM_133437.4).
Identifiers: ClinVar variation 595108 (VCV000595108.12), dbSNP rs1171957663, ClinGen allele CA430245542.
Genomic context (GRCh38, chr2:178,552,720, plus strand): 5'-AGCGTGGGACCACGTCTGTTCACCTTTACCTTTCCTTTCTACAACATATTCTGTGATGAC[G>A]CTACCACCATCAAAGTCAGGTTTGGTCCAGCTGAGGATGACAGATGTCTTTGTTGAGTCT-3'
Protein context (NP_001254479.2, residues 30050-30070): SWTKPDFDGG[Ser30060=]VITEYVVERK

ClinVar aggregate classification (germline): Conflicting classifications of pathogenicity. Review status: criteria provided, conflicting classifications (1 of 4 stars). 4 submissions from 4 submitters: Uncertain significance (1); Likely benign (3). Last evaluated 2026-09-01.

Conditions:
Cardiovascular phenotype. Identifiers: MedGen CN230736.
Dilated cardiomyopathy 1G (CMD1G). Identifiers: Orphanet 154, MedGen C1858763, MONDO:0011400, OMIM 604145.
Autosomal recessive limb-girdle muscular dystrophy type 2J (LGMDR10). Also called: Limb-girdle muscular dystrophy, type 2J; MUSCULAR DYSTROPHY, LIMB-GIRDLE, AUTOSOMAL RECESSIVE 10. Identifiers: Orphanet 140922, MedGen C1837342, MONDO:0012127, OMIM 608807.

Allele frequency attached by ClinVar (database versions not stated): gnomAD exomes below 0.00001; TOPMed below 0.00001; gnomAD 0.00001 and 0.00003.
gnomAD v4.1: 7 of 1,613,738 alleles (0.00043%); highest among the groups gnomAD compares: African/African-American, 0.0027%; no homozygotes.

Submissions (4):

CeGaT Center for Human Genetics Tuebingen
Classification: Likely benign. Last evaluated: 2026-09-01. Review status: criteria provided, single submitter. Criteria: CeGaT Center For Human Genetics Tuebingen Variant Classification Criteria Version 2. Collection method: clinical testing. Allele origin: germline. Affected: yes. Observed: 1 variant allele.
Comment: TTN: BP4, BP7

Labcorp Genetics (formerly Invitae), Labcorp
Classification: Likely benign for Dilated cardiomyopathy 1G; Autosomal recessive limb-girdle muscular dystrophy type 2J. Last evaluated: 2025-08-13. Review status: criteria provided, single submitter. Criteria: Invitae Variant Classification Sherloc (09022015). Collection method: clinical testing. Allele origin: germline.

Ambry Genetics
Classification: Likely benign for Cardiovascular phenotype. Last evaluated: 2022-07-27. Review status: criteria provided, single submitter. Criteria: Ambry Variant Classification Scheme 2023. Collection method: clinical testing. Allele origin: germline.

Eurofins Ntd Llc (ga)
Classification: Uncertain significance. Last evaluated: 2017-11-21. Review status: criteria provided, single submitter. Criteria: EGL Classification Definitions 2015. Collection method: clinical testing. Allele origin: germline. Observed: 1 variant allele, 1 heterozygote.